The following is an entry in ClinVar:

NM_015378.4(VPS13D):c.3788A>T (p.Asp1263Val)

Gene: VPS13D (vacuolar protein sorting 13 homolog D; plus strand). Cytogenetic location: 1p36.22.
Variant type: single nucleotide variant.
Coding change: c.3788A>T on transcript NM_015378.4 (MANE Select); coding-DNA position 3788, A replaced by T.
Protein change: p.Asp1263Val; replaces aspartic acid 1263 with valine.
Molecular consequence: missense variant.
Genome position (GRCh38, 1-based): chr1:12,277,376, A>T. VCF-style: chr1-12277376-A-T. GRCh37 (hg19) VCF-style: chr1-12337433-A-T.
Other names: c.3788A>T, p.Asp1263Val (NM_018156.4); short protein forms D1263V.
Identifiers: ClinVar variation 3332187 (VCV003332187.2).

ClinVar aggregate classification (germline): Uncertain significance. Review status: criteria provided, multiple submitters, no conflicts (2 of 4 stars). 2 submissions from 2 submitters: Uncertain significance (2). Last evaluated 2025-09-03.

Conditions:
Inborn genetic diseases. Identifiers: MedGen C0950123, MeSH D030342.

gnomAD v4.1: 8 of 1,614,108 alleles (0.0005%); highest among the groups gnomAD compares: Non-Finnish European, 0.00051%; no homozygotes.

Submissions (2):

Labcorp Genetics (formerly Invitae), Labcorp
Classification: Uncertain significance. Last evaluated: 2025-09-03. Review status: criteria provided, single submitter. Criteria: Invitae Variant Classification Sherloc (09022015). Collection method: clinical testing. Allele origin: germline.
Comment: This sequence change replaces aspartic acid, which is acidic and polar, with valine, which is neutral and non-polar, at codon 1263 of the VPS13D protein (p.Asp1263Val). This variant is present in population databases (rs772868326, gnomAD 0.002%). This variant has not been reported in the literature in individuals affected with VPS13D-related conditions. ClinVar contains an entry for this variant (Variation ID: 3332187). Invitae Evidence Modeling of protein sequence and biophysical properties (such as structural, functional, and spatial information, amino acid conservation, physicochemical variation, residue mobility, and thermodynamic stability) indicates that this missense variant is not expected to disrupt VPS13D protein function with a negative predictive value of 80%. In summary, the available evidence is currently insufficient to determine the role of this variant in disease. Therefore, it has been classified as a Variant of Uncertain Significance.

Ambry Genetics
Classification: Uncertain significance for Inborn genetic diseases. Last evaluated: 2024-03-25. Review status: criteria provided, single submitter. Criteria: Ambry Variant Classification Scheme 2023. Collection method: clinical testing. Allele origin: germline.